The following is an entry in ClinVar:

ClinVar aggregate classification (germline): Conflicting classifications of pathogenicity. Review status: criteria provided, conflicting classifications (1 of 4 stars). 5 submissions from 5 submitters: Likely pathogenic (1); Uncertain significance (3). 1 of the submissions does not count toward it. Last evaluated 2026-01-26.

Conditions:
BBS7-related disorder. Also called: BBS7-related condition.
Bardet-Biedl syndrome (BBS). Identifiers: Orphanet 110, MedGen C0752166, MONDO:0015229.

Allele frequency attached by ClinVar (database versions not stated): ESP Exome Variant Server 0.00008; gnomAD exomes 0.00002 and 0.00001; TOPMed 0.00002; ExAC 0.00003; gnomAD 0.00003.
gnomAD v4.1: 14 of 1,603,744 alleles (0.00087%); highest among the groups gnomAD compares: African/African-American, 0.0067%; no homozygotes.

Submissions (5):

Women's Health and Genetics/Laboratory Corporation of America, LabCorp
Classification: Uncertain significance. Last evaluated: 2026-01-26. Review status: criteria provided, single submitter. Criteria: LabCorp Variant Classification Summary - May 2015. Collection method: clinical testing. Allele origin: germline.
Comment: Variant summary: BBS7 c.1037G>A (p.Arg346Gln) results in a conservative amino acid change in the encoded protein sequence. Algorithms developed to predict the effect of missense changes on protein structure and function are either unavailable or do not agree on the potential impact of this missense change. Several computational tools predict a significant impact on normal splicing: Two predict the variant abolishes a 5' splicing donor site. One predict the variant weakens a 5' donor site. Three predict the variant creates a cryptic 3' acceptor site. However, these predictions have yet to be confirmed by functional studies. The variant allele was found at a frequency of 2e-05 in 250770 control chromosomes.c.1037G>A has been observed in two unrelated compound heterozygous individuals affected with Bardet-Biedl Syndrome (Muller_2010, Kleinendorst_2018). These data indicate that the variant may be associated with disease. To our knowledge, no experimental evidence demonstrating an impact on protein function has been reported. The following publications have been ascertained in the context of this evaluation (PMID: 37431782, 31964843, 29970488, 20177705). ClinVar contains an entry for this variant (Variation ID: 193765). Based on the evidence outlined above, the variant was classified as VUS-possibly pathogenic.

Genetic Services Laboratory, University of Chicago
Classification: Likely pathogenic. Last evaluated: 2025-08-26. Review status: criteria provided, single submitter. Criteria: ACMG Guidelines, 2015. Collection method: clinical testing. Allele origin: germline.
Comment: The c.1037G>A variant: Occurs at the last nucleotide of exon 10 in the BBS7 gene. Is predicted to impact the splice donor site located 1 base pair downstream from this change. Results in an amino acid change, p.Arg346Gln. Affects a highly conserved amino acid residue located in a domain of the BBS7 protein that is known to be functional. Appears to have contradictory results by in-silico missense pathogenicity prediction tools. Has been previously described in at least two unrelated individuals with BBS7-related disorder in the compound heterozygous state with well-established pathogenic variants in the BBS7 gene (PMID: 20177705, 29970488). Is reported in the gnomAD v4 database with a frequency of 0.006% in the African/African American subpopulation (dbSNP rs370716101). ClinVar contains an entry for this variant (Variation ID: 193765). Collectively, this evidence indicates that this variant is likely pathogenic, however functional studies have not been performed to prove this conclusively.

Eurofins Ntd Llc (ga)
Classification: Uncertain significance. Last evaluated: 2014-05-07. Review status: criteria provided, single submitter. Criteria: EGL Classification Definitions 2015. Collection method: clinical testing. Allele origin: germline. Observed: 1 variant allele, 1 heterozygote.

SN ONGC Dept of Genetics and Molecular biology Vision Research Foundation
Classification: Uncertain significance for Bardet-Biedl syndrome. Review status: criteria provided, single submitter. Criteria: ACMG Guidelines, 2015. Collection method: research. Allele origin: unknown. Affected: yes. Observed: 1 heterozygote.

PreventionGenetics, part of Exact Sciences
Classification: Uncertain significance for BBS7-related condition. Last evaluated: 2024-05-13. Review status: no assertion criteria provided. Collection method: clinical testing. Allele origin: germline. Not counted in ClinVar's aggregate classification.
Comment: The BBS7 c.1037G>A variant is predicted to result in the amino acid substitution p.Arg346Gln. This variant has been reported in the compound heterozygous state in a patient with Bardet-Biedl syndrome (Supplementary Table 1, Muller et al 2010. PubMed ID: 20177705), and in an individual with postaxial polydactyly, intellectual disability, hyperphagia and early onset obesity (Patient 1, Kleinendorst et al. 2018. PubMed ID: 29970488). This variant is reported in 0.012% of alleles in individuals of African descent in gnomAD. Although we suspect that this variant may be pathogenic, at this time, the clinical significance of this variant is uncertain due to the absence of conclusive functional and genetic evidence.

Literature cited by the submitters: PubMed 20177705 (cited by Women's Health and Genetics/Laboratory Corporation of America, LabCorp); PubMed 31964843 (cited by Women's Health and Genetics/Laboratory Corporation of America, LabCorp); PubMed 37431782 (cited by Women's Health and Genetics/Laboratory Corporation of America, LabCorp); PubMed 29970488 (cited by Women's Health and Genetics/Laboratory Corporation of America, LabCorp).

NM_176824.3(BBS7):c.1037G>A (p.Arg346Gln)

Gene: BBS7 (Bardet-Biedl syndrome 7; minus strand). Cytogenetic location: 4q27.
Variant type: single nucleotide variant.
Coding change: c.1037G>A on transcript NM_176824.3 (MANE Select); coding-DNA position 1037, G replaced by A.
Protein change: p.Arg346Gln; replaces arginine 346 with glutamine.
Molecular consequence: missense variant.
Genome position (GRCh38, 1-based): chr4:121,847,404, C>T on the plus strand (G>A on the coding strand, the complement: BBS7 is on the minus strand). VCF-style: chr4-121847404-C-T. GRCh37 (hg19) VCF-style: chr4-122768559-C-T.
Other names: c.1037G>A (NM_176824.2); c.1037G>A, p.Arg346Gln (NM_018190.4); short protein forms R346Q.
Identifiers: ClinVar variation 193765 (VCV000193765.15), dbSNP rs370716101, ClinGen allele CA239398.